The following is an entry in ClinVar:

ClinVar aggregate classification (germline): Uncertain significance (1 of 4 stars; one submission).

Submission:

Labcorp Genetics (formerly Invitae), Labcorp
Classification: Uncertain significance. Last evaluated: 2025-08-27. Review status: criteria provided, single submitter. Criteria: Invitae Variant Classification Sherloc (09022015). Collection method: clinical testing. Allele origin: germline.
Comment: This sequence change replaces leucine, which is neutral and non-polar, with valine, which is neutral and non-polar, at codon 232 of the BRD4 protein (p.Leu232Val). This variant is present in population databases (rs777999962, gnomAD 0.01%). This variant has not been reported in the literature in individuals affected with BRD4-related conditions. Invitae Evidence Modeling of protein sequence and biophysical properties (such as structural, functional, and spatial information, amino acid conservation, physicochemical variation, residue mobility, and thermodynamic stability) indicates that this missense variant is not expected to disrupt BRD4 protein function with a negative predictive value of 80%. In summary, the available evidence is currently insufficient to determine the role of this variant in disease. Therefore, it has been classified as a Variant of Uncertain Significance.

NM_001379291.1(BRD4):c.694C>G (p.Leu232Val)

Gene: BRD4 (bromodomain containing 4; minus strand). Cytogenetic location: 19p13.12.
Variant type: single nucleotide variant.
Coding change: c.694C>G on transcript NM_001379291.1 (MANE Select); coding-DNA position 694, C replaced by G.
Protein change: p.Leu232Val; replaces leucine 232 with valine.
Molecular consequence: missense variant.
Genome position (GRCh38, 1-based): chr19:15,265,509, G>C on the plus strand (C>G on the coding strand, the complement: BRD4 is on the minus strand). VCF-style: chr19-15265509-G-C. GRCh37 (hg19) VCF-style: chr19-15376320-G-C.
Other names: c.694C>G, p.Leu232Val (NM_001330384.2, NM_001379292.1, NM_014299.3 and 1 more transcripts); short protein forms L232V.
Identifiers: ClinVar variation 4780108 (VCV004780108.1).